The following is an entry in ClinVar:

ClinVar aggregate classification (germline): Uncertain significance (1 of 4 stars; one submission).

Conditions:
Progressive myoclonic epilepsy type 7. Identifiers: Orphanet 435438, MedGen C4015420, MONDO:0014521, OMIM 616187.

Submission:

Labcorp Genetics (formerly Invitae), Labcorp
Classification: Uncertain significance for Progressive myoclonic epilepsy type 7. Last evaluated: 2023-05-21. Review status: criteria provided, single submitter. Criteria: Invitae Variant Classification Sherloc (09022015). Collection method: clinical testing. Allele origin: germline.
Comment: This sequence change replaces phenylalanine, which is neutral and non-polar, with serine, which is neutral and polar, at codon 328 of the KCNC1 protein (p.Phe328Ser). This variant is not present in population databases (gnomAD no frequency). This variant has not been reported in the literature in individuals affected with KCNC1-related conditions. Advanced modeling of protein sequence and biophysical properties (such as structural, functional, and spatial information, amino acid conservation, physicochemical variation, residue mobility, and thermodynamic stability) performed at Invitae indicates that this missense variant is not expected to disrupt KCNC1 protein function. In summary, the available evidence is currently insufficient to determine the role of this variant in disease. Therefore, it has been classified as a Variant of Uncertain Significance.

NM_001112741.2(KCNC1):c.983T>C (p.Phe328Ser)

Gene: KCNC1 (potassium voltage-gated channel subfamily C member 1; plus strand). Cytogenetic location: 11p15.1.
Variant type: single nucleotide variant.
Coding change: c.983T>C on transcript NM_001112741.2 (MANE Select); coding-DNA position 983, T replaced by C.
Protein change: p.Phe328Ser; replaces phenylalanine 328 with serine.
Molecular consequence: missense variant.
Genome position (GRCh38, 1-based): chr11:17,772,077, T>C. VCF-style: chr11-17772077-T-C. GRCh37 (hg19) VCF-style: chr11-17793624-T-C.
Other names: c.983T>C, p.Phe328Ser (NM_004976.4); short protein forms F328S.
Identifiers: ClinVar variation 2866716 (VCV002866716.3), dbSNP rs2497800328, ClinGen allele CA379807274.